The following is an entry in ClinVar:

ClinVar aggregate classification (germline): Uncertain significance (1 of 4 stars; one submission).

Conditions:
POLD1-related polyposis and colorectal cancer syndrome (CRCS10). Also called: Colorectal cancer 10; COLORECTAL CANCER, SUSCEPTIBILITY TO, ON CHROMOSOME 19q; Colorectal cancer, susceptibility to, 10. Identifiers: Orphanet 220460, MedGen C2675481, MONDO:0012953, OMIM 612591.

Submission:

Labcorp Genetics (formerly Invitae), Labcorp
Classification: Uncertain significance for POLD1-related polyposis and colorectal cancer syndrome. Last evaluated: 2025-09-20. Review status: criteria provided, single submitter. Criteria: Invitae Variant Classification Sherloc (09022015). Collection method: clinical testing. Allele origin: germline.
Comment: This sequence change affects an acceptor splice site in intron 20 of the POLD1 gene. Missense variants that disrupt the 3'-5' exonuclease (proof-reading) activity of the POLD1 protein are associated with PPAP (polymerase proofreading–associated polyposis) (PMID: 23263490, 23447401). However, loss-of-function variants that result in an absent or severely disrupted POLD1 protein, and missense variants outside the exonuclease domain, are unlikely to be associated with PPAP. This variant is not present in population databases (gnomAD no frequency). This variant has not been reported in the literature in individuals affected with POLD1-related conditions. ClinVar contains an entry for this variant (Variation ID: 3693910). Algorithms developed to predict the effect of sequence changes on RNA splicing suggest that this variant may disrupt the consensus splice site. In summary, the available evidence is currently insufficient to determine the role of this variant in disease. Therefore, it has been classified as a Variant of Uncertain Significance.

Literature cited by the submitters: PubMed 23263490; PubMed 23447401.

NM_002691.4(POLD1):c.2565-2A>G

Gene: POLD1 (DNA polymerase delta 1, catalytic subunit; plus strand). Cytogenetic location: 19q13.33.
Variant type: single nucleotide variant.
Coding change: c.2565-2A>G on transcript NM_002691.4 (MANE Select); the canonical splice acceptor site of the intron before coding-DNA position 2565, A replaced by G.
Molecular consequence: splice acceptor variant.
Genome position (GRCh38, 1-based): chr19:50,415,436, A>G. VCF-style: chr19-50415436-A-G. GRCh37 (hg19) VCF-style: chr19-50918693-A-G.
Other names: c.2565-2A>G (NM_001256849.1); c.2643-2A>G (NM_001308632.1).
Identifiers: ClinVar variation 3693910 (VCV003693910.2).